The following is an entry in ClinVar:

NM_005762.3(TRIM28):c.153_154delinsTC (p.Ala52Pro)

Genes: TRIM28 (tripartite motif containing 28; plus strand), LOC130065239 (ATAC-STARR-seq lymphoblastoid silent region 11093; plus strand). Cytogenetic location: 19q13.43.
Variant type: Indel.
Coding change: c.153_154delinsTC on transcript NM_005762.3 (MANE Select); coding-DNA positions 153 to 154, CG replaced by TC.
Protein change: p.Ala52Pro; replaces alanine 52 with proline.
Molecular consequence: missense variant.
Genome position (GRCh38, 1-based): chr19:58,544,910-58,544,911, CG replaced by TC. VCF-style: chr19-58544910-CG-TC. GRCh37 (hg19) VCF-style: chr19-59056277-CG-TC.
Other names: short protein forms A52P.
Identifiers: ClinVar variation 3631737 (VCV003631737.2).

ClinVar aggregate classification (germline): Uncertain significance (1 of 4 stars; one submission).

Submission:

Labcorp Genetics (formerly Invitae), Labcorp
Classification: Uncertain significance. Last evaluated: 2024-02-17. Review status: criteria provided, single submitter. Criteria: Invitae Variant Classification Sherloc (09022015). Collection method: clinical testing. Allele origin: germline.
Comment: This sequence change replaces alanine, which is neutral and non-polar, with proline, which is neutral and non-polar, at codon 52 of the TRIM28 protein (p.Ala52Pro). Information on the frequency of this variant in the gnomAD database is not available, as this variant may be reported differently in the database. This variant has not been reported in the literature in individuals affected with TRIM28-related conditions. Experimental studies and prediction algorithms are not available or were not evaluated, and the functional significance of this variant is currently unknown. In summary, the available evidence is currently insufficient to determine the role of this variant in disease. Therefore, it has been classified as a Variant of Uncertain Significance.